The following is an entry in ClinVar:

NM_002160.4(TNC):c.3285C>T (p.Thr1095=)

Gene: TNC (tenascin C; minus strand). Cytogenetic location: 9q33.1.
Variant type: single nucleotide variant.
Coding change: c.3285C>T on transcript NM_002160.4 (MANE Select); coding-DNA position 3285, C replaced by T.
Protein change: p.Thr1095=; no amino-acid change (threonine 1095 retained).
Molecular consequence: synonymous variant.
Genome position (GRCh38, 1-based): chr9:115,064,849, G>A on the plus strand (C>T on the coding strand, the complement: TNC is on the minus strand). VCF-style: chr9-115064849-G-A. GRCh37 (hg19) VCF-style: chr9-117827128-G-A.
Other names: c.3285C>T, p.Thr1095= (NM_001410991.1).
Identifiers: ClinVar variation 3044631 (VCV003044631.2), dbSNP rs761344117, ClinGen allele CA5208269.

ClinVar aggregate classification (germline): Likely benign (0 of 4 stars; one submission).

Conditions:
TNC-related disorder. Also called: TNC-related condition.

Allele frequency attached by ClinVar (database versions not stated): TOPMed 0.00003; ExAC 0.00005; gnomAD exomes 0.00006; gnomAD 0.00003.
gnomAD v4.1: 92 of 1,613,974 alleles (0.0057%); highest among the groups gnomAD compares: Admixed American, 0.012%; no homozygotes.

Submission:

PreventionGenetics, part of Exact Sciences
Classification: Likely benign for TNC-related condition. Last evaluated: 2019-06-05. Review status: no assertion criteria provided. Collection method: clinical testing. Allele origin: germline.
Comment: This variant is classified as likely benign based on ACMG/AMP sequence variant interpretation guidelines (Richards et al. 2015 PMID: 25741868, with internal and published modifications).